The following is an entry in ClinVar:

NM_014251.3(SLC25A13):c.1416_1419del (p.Val473fs)

Gene: SLC25A13 (solute carrier family 25 member 13; minus strand). Cytogenetic location: 7q21.3.
Variant type: Microsatellite.
Coding change: c.1416_1419del on transcript NM_014251.3 (MANE Select); coding-DNA positions 1416 to 1419, 4 bases deleted (TGTC; older notation c.1416_1419delTGTC).
Protein change: p.Val473fs; shifts the reading frame from valine 473.
Molecular consequence: frameshift variant. On other transcripts: non-coding transcript variant (1).
Genome position (GRCh38, 1-based): chr7:96,146,589-96,146,592, GACA deleted on the plus strand (TGTC on the coding strand, the reverse complement: SLC25A13 is on the minus strand); deleting any 4 consecutive bases within chr7:96,146,589-96,146,598 gives the same sequence; the c. name uses the placement nearest the transcript's 3' end. VCF-style (leftmost placement, unchanged base first): chr7-96146588-CGACA-C. GRCh37 (hg19) VCF-style: chr7-95775900-CGACA-C.
Other names: c.1419_1422del, p.Val474fs (NM_001160210.2); short protein forms V474fs, V473fs.
Identifiers: ClinVar variation 1420534 (VCV001420534.6), dbSNP rs773624358, ClinGen allele CA4352931.

ClinVar aggregate classification (germline): Pathogenic (1 of 4 stars; one submission).

Conditions:
Citrin deficiency. Identifiers: Orphanet 247582, MedGen C1997910, MONDO:0016602.

Submission:

Labcorp Genetics (formerly Invitae), Labcorp
Classification: Pathogenic for Citrin deficiency. Last evaluated: 2021-02-10. Review status: criteria provided, single submitter. Criteria: Invitae Variant Classification Sherloc (09022015). Collection method: clinical testing. Allele origin: germline.
Comment: For these reasons, this variant has been classified as Pathogenic. This variant has not been reported in the literature in individuals with SLC25A13-related conditions. This variant is present in population databases (rs773624358, ExAC 0.001%). This sequence change creates a premature translational stop signal (p.Val473Cysfs*34) in the SLC25A13 gene. It is expected to result in an absent or disrupted protein product. Loss-of-function variants in SLC25A13 are known to be pathogenic (PMID: 10369257, 14680984, 27405544).

Literature cited by the submitters: PubMed 10369257; PubMed 14680984; PubMed 27405544.